The following is an entry in ClinVar:

NM_000057.4(BLM):c.2956A>G (p.Ile986Val)

Gene: BLM (BLM RecQ like helicase; plus strand). Cytogenetic location: 15q26.1.
Variant type: single nucleotide variant.
Coding change: c.2956A>G on transcript NM_000057.4 (MANE Select); coding-DNA position 2956, A replaced by G.
Protein change: p.Ile986Val; replaces isoleucine 986 with valine.
Molecular consequence: missense variant.
Genome position (GRCh38, 1-based): chr15:90,790,781, A>G. VCF-style: chr15-90790781-A-G. GRCh37 (hg19) VCF-style: chr15-91334011-A-G.
Other names: c.2956A>G, p.Ile986Val (NM_001287246.2, NM_001287247.2); c.1831A>G, p.Ile611Val (NM_001287248.2); short protein forms I986V, I611V.
Identifiers: ClinVar variation 577064 (VCV000577064.9), dbSNP rs1567056667, ClinGen allele CA393846493.

ClinVar aggregate classification (germline): Uncertain significance (1 of 4 stars; one submission).

Conditions:
Bloom syndrome (BLM). Also called: Bloom-Torre-Machacek syndrome. Identifiers: Orphanet 125, MedGen C0005859, MONDO:0008876, OMIM 210900.

Allele frequency attached by ClinVar (database versions not stated): TOPMed below 0.00001; gnomAD 0.00001.
gnomAD v4.1: 1 of 1,614,056 alleles (0.000062%); highest among the groups gnomAD compares: African/African-American, 0.0013%; no homozygotes.

Submission:

Labcorp Genetics (formerly Invitae), Labcorp
Classification: Uncertain significance for Bloom syndrome. Last evaluated: 2018-05-29. Review status: criteria provided, single submitter. Criteria: Invitae Variant Classification Sherloc (09022015). Collection method: clinical testing. Allele origin: germline.
Comment: In summary, the available evidence is currently insufficient to determine the role of this variant in disease. Therefore, it has been classified as a Variant of Uncertain Significance. Algorithms developed to predict the effect of sequence changes on RNA splicing suggest that this variant may create or strengthen a splice site, but this prediction has not been confirmed by published transcriptional studies. Algorithms developed to predict the effect of missense changes on protein structure and function (SIFT, PolyPhen-2, Align-GVGD) all suggest that this variant is likely to be tolerated, but these predictions have not been confirmed by published functional studies and their clinical significance is uncertain. This variant has not been reported in the literature in individuals with BLM-related disease. This variant is not present in population databases (ExAC no frequency). This sequence change replaces isoleucine with valine at codon 986 of the BLM protein (p.Ile986Val). The isoleucine residue is moderately conserved and there is a small physicochemical difference between isoleucine and valine.